The following is an entry in ClinVar:

NM_000210.4(ITGA6):c.2938_2939insT (p.Asp980fs)

Genes: ITGA6 (integrin subunit alpha 6; plus strand), PDK1-AS1 (PDK1 and ITGA6 antisense RNA 1; minus strand). Cytogenetic location: 2q31.1.
Variant type: Insertion.
Coding change: c.2938_2939insT on transcript NM_000210.4 (MANE Select); coding-DNA positions 2938 to 2939, T inserted.
Protein change: p.Asp980fs; shifts the reading frame from aspartic acid 980.
Molecular consequence: frameshift variant.
Genome position: GRCh38 VCF-style: chr2-172491473-G-GT. GRCh37 (hg19) VCF-style: chr2-173356201-G-GT.
Other names: c.2938_2939insT, p.Asp980fs (NM_001079818.3); c.2581_2582insT, p.Asp861fs (NM_001316306.2); c.2893_2894insT, p.Asp965fs (NM_001365529.2, NM_001365530.2); short protein forms D861fs, D965fs, D980fs.
Identifiers: ClinVar variation 1028613 (VCV001028613.1), dbSNP rs1686926761, ClinGen allele CA1307830439.

ClinVar aggregate classification (germline): Likely pathogenic (1 of 4 stars; one submission).

Conditions:
Junctional epidermolysis bullosa with pyloric atresia. Also called: ITGB4-Related Epidermolysis Bullosa with Pyloric Atresia; ITGA6-Related Epidermolysis Bullosa with Pyloric Atresia; Junctional Epidermolysis Bullosa- Pyloric Atresia Syndrome; EB-PA-ACC; Epidermolysis bullosa, junctional, with pyloric atresia and aplasia cutis congenita; Epidermolysis bullosa junctionalis with pyloric atresia. Identifiers: Orphanet 79403, MedGen C5676875, MONDO:0009183, OMIM 226730.

Submission:

Baylor Genetics
Classification: Likely pathogenic for Junctional epidermolysis bullosa with pyloric atresia. Last evaluated: 2020-05-05. Review status: criteria provided, single submitter. Criteria: ACMG Guidelines, 2015. Collection method: clinical testing. Allele origin: unknown. Affected: yes.
Comment: This variant was determined to be likely pathogenic according to ACMG Guidelines, 2015 [PMID:25741868].